The following is an entry in ClinVar:

ClinVar aggregate classification (germline): Likely benign (1 of 4 stars; one submission).

Allele frequency attached by ClinVar (database versions not stated): ESP Exome Variant Server 0.00046; gnomAD exomes 0.00047; gnomAD 0.00064; TOPMed 0.00065; ExAC 0.00234.
gnomAD v4.1: 815 of 1,563,614 alleles (0.052%); highest among the groups gnomAD compares: Admixed American, 0.083%; 7 homozygotes.

Submission:

CeGaT Center for Human Genetics Tuebingen
Classification: Likely benign. Last evaluated: 2022-11-01. Review status: criteria provided, single submitter. Criteria: CeGaT Center For Human Genetics Tuebingen Variant Classification Criteria Version 2. Collection method: clinical testing. Allele origin: germline. Affected: yes. Observed: 2 variant alleles.
Comment: CRYBG2: BP4, BP7

NM_001039775.4(CRYBG2):c.4575G>A (p.Lys1525=)

Gene: CRYBG2 (crystallin beta-gamma domain containing 2; minus strand). Cytogenetic location: 1p36.11.
Variant type: single nucleotide variant.
Coding change: c.4575G>A on transcript NM_001039775.4 (MANE Select); coding-DNA position 4575, G replaced by A.
Protein change: p.Lys1525=; no amino-acid change (lysine 1525 retained).
Molecular consequence: synonymous variant.
Genome position (GRCh38, 1-based): chr1:26,328,212, C>T on the plus strand (G>A on the coding strand, the complement: CRYBG2 is on the minus strand). VCF-style: chr1-26328212-C-T. GRCh37 (hg19) VCF-style: chr1-26654703-C-T.
Identifiers: ClinVar variation 2638509 (VCV002638509.24), dbSNP rs145510676, ClinGen allele CA703547.